The following is an entry in ClinVar:

NM_001040108.2(MLH3):c.1886A>G (p.Asn629Ser)

Gene: MLH3 (mutL homolog 3; minus strand). Cytogenetic location: 14q24.3.
Variant type: single nucleotide variant.
Coding change: c.1886A>G on transcript NM_001040108.2 (MANE Select); coding-DNA position 1886, A replaced by G.
Protein change: p.Asn629Ser; replaces asparagine 629 with serine.
Molecular consequence: missense variant.
Genome position (GRCh38, 1-based): chr14:75,047,770, T>C on the plus strand (A>G on the coding strand, the complement: MLH3 is on the minus strand). VCF-style: chr14-75047770-T-C. GRCh37 (hg19) VCF-style: chr14-75514473-T-C.
Other names: c.1886A>G, p.Asn629Ser (NM_014381.3); short protein forms N629S.
Identifiers: ClinVar variation 4552122 (VCV004552122.1).
Genomic context (GRCh38, chr14:75,047,770, plus strand): 5'-GAATGACGTGTTCTATTTCCAAATGTTTCTTGGGCACGTGTGGGACCAGGTCTAACATAA[T>C]TTTTAAATGAATGTTCTGTTTCAGTTGATTTAGTTTTTTCATTTTGTACTACATGAGTTA-3'
Protein context (NP_001035197.1, residues 619-639): KSTETEHSFK[Asn629Ser]YVRPGPTRAQ

ClinVar aggregate classification (germline): Uncertain significance (1 of 4 stars; one submission).

Submission:

Ambry Genetics
Classification: Uncertain significance. Last evaluated: 2025-11-19. Review status: criteria provided, single submitter. Criteria: Ambry Variant Classification Scheme 2023. Collection method: clinical testing. Allele origin: germline.
Comment: The p.N629S variant (also known as c.1886A>G), located in coding exon 1 of the MLH3 gene, results from an A to G substitution at nucleotide position 1886. The asparagine at codon 629 is replaced by serine, an amino acid with highly similar properties. This amino acid position is conserved. In addition, this alteration is predicted to be tolerated by in silico analysis. Based on the available evidence, the clinical significance of this variant remains unclear.